The following is an entry in ClinVar:

NM_005751.5(AKAP9):c.2165A>G (p.Asn722Ser)

Gene: AKAP9 (A-kinase anchoring protein 9; plus strand). Cytogenetic location: 7q21.2.
Variant type: single nucleotide variant.
Coding change: c.2165A>G on transcript NM_005751.5 (MANE Select); coding-DNA position 2165, A replaced by G.
Protein change: p.Asn722Ser; replaces asparagine 722 with serine.
Molecular consequence: missense variant.
Genome position (GRCh38, 1-based): chr7:92,002,082, A>G. VCF-style: chr7-92002082-A-G. GRCh37 (hg19) VCF-style: chr7-91631396-A-G.
Other names: c.2165A>G (NM_005751.4); c.2165A>G, p.Asn722Ser (NM_147185.3); short protein forms N722S.
Identifiers: ClinVar variation 1036747 (VCV001036747.9), dbSNP rs756171219, ClinGen allele CA4336100.
Genomic context (GRCh38, chr7:92,002,082, plus strand): 5'-TAAAAGATTTACAGCAGTCTCTTGTAAATTCAAAGTCAGAAGAAATGACTCTTCAAATCA[A>G]TGAACTTCAAAAAGAAATTGAAATACTCAGACAAGAAGAAAAAGAAAAGGGTACACTTGA-3'
Protein context (NP_005742.4, residues 712-732): SKSEEMTLQI[Asn722Ser]ELQKEIEILR

ClinVar aggregate classification (germline): Uncertain significance. Review status: criteria provided, multiple submitters, no conflicts (2 of 4 stars). 2 submissions from 2 submitters: Uncertain significance (2). Last evaluated 2025-02-04.

Conditions:
Cardiovascular phenotype. Identifiers: MedGen CN230736.
Long QT syndrome (LQTS). Identifiers: MedGen C0023976, MeSH D008133, MONDO:0002442. Disease mechanism: loss of function. Inheritance: Various modes of inheritance.

Allele frequency attached by ClinVar (database versions not stated): gnomAD exomes below 0.00001; TOPMed below 0.00001; ExAC 0.00001; gnomAD 0.00001.
gnomAD v4.1: 4 of 1,594,882 alleles (0.00025%); highest among the groups gnomAD compares: Admixed American, 0.0018%; no homozygotes.

Submissions (2):

Ambry Genetics
Classification: Uncertain significance for Cardiovascular phenotype. Last evaluated: 2025-02-04. Review status: criteria provided, single submitter. Criteria: Ambry Variant Classification Scheme 2023. Collection method: clinical testing. Allele origin: germline.
Comment: The p.N722S variant (also known as c.2165A>G), located in coding exon 8 of the AKAP9 gene, results from an A to G substitution at nucleotide position 2165. The asparagine at codon 722 is replaced by serine, an amino acid with highly similar properties. This amino acid position is conserved. In addition, this alteration is predicted to be tolerated by in silico analysis. Based on the available evidence, the clinical significance of this variant remains unclear.

Labcorp Genetics (formerly Invitae), Labcorp
Classification: Uncertain significance for Long QT syndrome. Last evaluated: 2020-07-22. Review status: criteria provided, single submitter. Criteria: Invitae Variant Classification Sherloc (09022015). Collection method: clinical testing. Allele origin: germline.
Comment: In summary, the available evidence is currently insufficient to determine the role of this variant in disease. Therefore, it has been classified as a Variant of Uncertain Significance. Algorithms developed to predict the effect of sequence changes on RNA splicing suggest that this variant may create or strengthen a splice site, but this prediction has not been confirmed by published transcriptional studies. Algorithms developed to predict the effect of missense changes on protein structure and function output the following: SIFT: "Tolerated"; PolyPhen-2: "Benign"; Align-GVGD: "Class C0". The serine amino acid residue is found in multiple mammalian species, suggesting that this missense change does not adversely affect protein function. These predictions have not been confirmed by published functional studies and their clinical significance is uncertain. This variant has not been reported in the literature in individuals with AKAP9-related conditions. This variant is present in population databases (rs756171219, ExAC 0.009%). This sequence change replaces asparagine with serine at codon 722 of the AKAP9 protein (p.Asn722Ser). The asparagine residue is moderately conserved and there is a small physicochemical difference between asparagine and serine.